The following is an entry in ClinVar:

NM_005359.6(SMAD4):c.1054G>A (p.Gly352Arg)

Gene: SMAD4 (SMAD family member 4; plus strand). Cytogenetic location: 18q21.2.
Variant type: single nucleotide variant.
Coding change: c.1054G>A on transcript NM_005359.6 (MANE Select); coding-DNA position 1054, G replaced by A.
Protein change: p.Gly352Arg; replaces glycine 352 with arginine.
Molecular consequence: missense variant.
Genome position (GRCh38, 1-based): chr18:51,065,521, G>A. VCF-style: chr18-51065521-G-A. GRCh37 (hg19) VCF-style: chr18-48591891-G-A.
Other names: short protein forms G352R.
Identifiers: ClinVar variation 24827 (VCV000024827.47), dbSNP rs121912581, ClinGen allele CA128090.

ClinVar aggregate classification (germline): Pathogenic/Likely pathogenic. Review status: criteria provided, multiple submitters, no conflicts (2 of 4 stars). 5 submissions from 5 submitters: Pathogenic (2); Likely pathogenic (1). 2 of the submissions do not count toward it. Last evaluated 2021-12-29.

Conditions:
Juvenile polyposis syndrome (JPS). Identifiers: Orphanet 2929, MedGen C0345893, MONDO:0017380, OMIM 174900.
Juvenile polyposis/hereditary hemorrhagic telangiectasia syndrome (JPHT). Also called: POLYPOSIS, GENERALIZED JUVENILE, WITH PULMONARY ARTERIOVENOUS MALFORMATION; Juvenile Polyposis Syndrome / Hereditary Hemorrhagic Telangiectasia (JPS/HHT); TELANGIECTASIA, HEREDITARY HEMORRHAGIC, WITH JUVENILE POLYPOSIS COLI; JP/HHT SYNDROME; JUVENILE POLYPOSIS WITH HEREDITARY HEMORRHAGIC TELANGIECTASIA. Identifiers: Orphanet 2929, MedGen C1832942, MONDO:0008278, OMIM 175050.

Submissions (5):

Labcorp Genetics (formerly Invitae), Labcorp
Classification: Likely pathogenic for Juvenile polyposis syndrome. Last evaluated: 2021-12-29. Review status: criteria provided, single submitter. Criteria: Invitae Variant Classification Sherloc (09022015). Collection method: clinical testing. Allele origin: germline.
Comment: Experimental studies have shown that this missense change affects SMAD4 function (PMID: 31515488). This variant is not present in population databases (gnomAD no frequency). This missense change has been observed in individual(s) with clinical features of juvenile polyposis syndrome and hereditary hemorrhagic telangiectasia (PMID: 12417513, 15031030, 15235019, 18823382). It has also been observed to segregate with disease in related individuals. ClinVar contains an entry for this variant (Variation ID: 24827). Advanced modeling of protein sequence and biophysical properties (such as structural, functional, and spatial information, amino acid conservation, physicochemical variation, residue mobility, and thermodynamic stability) performed at Invitae indicates that this missense variant is expected to disrupt SMAD4 protein function. This sequence change replaces glycine, which is neutral and non-polar, with arginine, which is basic and polar, at codon 352 of the SMAD4 protein (p.Gly352Arg). Algorithms developed to predict the effect of sequence changes on RNA splicing suggest that this variant may create or strengthen a splice site. This variant disrupts the p.Gly352 amino acid residue in SMAD4. Other variant(s) that disrupt this residue have been observed in individuals with SMAD4-related conditions (PMID: 20101697), which suggests that this may be a clinically significant amino acid residue. In summary, the currently available evidence indicates that the variant is pathogenic, but additional data are needed to prove that conclusively. Therefore, this variant has been classified as Likely Pathogenic.

Women's Health and Genetics/Laboratory Corporation of America, LabCorp
Classification: Pathogenic for Juvenile polyposis syndrome. Last evaluated: 2021-09-02. Review status: criteria provided, single submitter. Criteria: LabCorp Variant Classification Summary - May 2015. Collection method: clinical testing. Allele origin: germline.
Comment: Variant summary: SMAD4 c.1054G>A (p.Gly352Arg) results in a non-conservative amino acid change in the encoded protein sequence. Five of five in-silico tools predict a damaging effect of the variant on protein function. The variant was absent in 251432 control chromosomes. c.1054G>A has been reported in the literature in multiple individuals affected with Juvenile Polyposis Syndrome (Sayad_2002, Gallione_2004, Howe_2004, Calva-Cerqueira_2009). These data indicate that the variant is very likely to be associated with disease. One clinical diagnostic laboratory has submitted clinical-significance assessments for this variant to ClinVar after 2014 without evidence for independent evaluation. One laboratory classified the variant as pathogenic. Based on the evidence outlined above, the variant was classified as pathogenic.

CeGaT Center for Human Genetics Tuebingen
Classification: Pathogenic. Last evaluated: 2018-06-01. Review status: criteria provided, single submitter. Criteria: CeGaT Center For Human Genetics Tuebingen Variant Classification Criteria Version 2. Collection method: clinical testing. Allele origin: germline. Affected: yes. Observed: 1 variant allele.

OMIM
Classification: Pathogenic for JUVENILE POLYPOSIS/HEREDITARY HEMORRHAGIC TELANGIECTASIA SYNDROME. Last evaluated: 2004-03-13. Review status: no assertion criteria provided. Collection method: literature only. Allele origin: germline. Not counted in ClinVar's aggregate classification.

UniProtKB/Swiss-Prot
No classification provided. Review status: no classification provided. Collection method: not provided. Allele origin: not provided. Not counted in ClinVar's aggregate classification.

Literature cited by the submitters: PubMed 31515488 (cited by Labcorp Genetics (formerly Invitae), Labcorp); PubMed 12417513 (cited by Labcorp Genetics (formerly Invitae), Labcorp and Women's Health and Genetics/Laboratory Corporation of America, LabCorp); PubMed 15031030 (cited by 3 submitters); PubMed 15235019 (cited by Labcorp Genetics (formerly Invitae), Labcorp and Women's Health and Genetics/Laboratory Corporation of America, LabCorp); PubMed 18823382 (cited by Labcorp Genetics (formerly Invitae), Labcorp and Women's Health and Genetics/Laboratory Corporation of America, LabCorp); PubMed 20101697 (cited by Labcorp Genetics (formerly Invitae), Labcorp).